The following is an entry in ClinVar:

NM_004655.4(AXIN2):c.1393C>T (p.Arg465Cys)

Gene: AXIN2 (axin 2; minus strand). Cytogenetic location: 17q24.1.
Variant type: single nucleotide variant.
Coding change: c.1393C>T on transcript NM_004655.4 (MANE Select); coding-DNA position 1393, C replaced by T.
Protein change: p.Arg465Cys; replaces arginine 465 with cysteine.
Molecular consequence: missense variant.
Genome position (GRCh38, 1-based): chr17:65,537,643, G>A on the plus strand (C>T on the coding strand, the complement: AXIN2 is on the minus strand). VCF-style: chr17-65537643-G-A. GRCh37 (hg19) VCF-style: chr17-63533761-G-A.
Other names: c.1393C>T (LRG_296t1); c.1393C>T, p.Arg465Cys (NM_001363813.1); short protein forms R465C.
Identifiers: ClinVar variation 279695 (VCV000279695.14), dbSNP rs886041137, ClinGen allele CA10603395.
Genomic context (GRCh38, chr17:65,537,643, plus strand): 5'-CACCGGGCGGGAGCAGGGAGTGGTACTGCGAATGGTGGTGGTGGTGGTGGTCCGGGGAGC[G>A]GGAGCGGGGGCTATAGCGGCCTACGCCTGGAGACTGGCAGCCAGGGGTCTTGAGGACCCT-3'
Protein context (NP_004646.3, residues 455-475): PGVGRYSPRS[Arg465Cys]SPDHHHHHHS

ClinVar aggregate classification (germline): Uncertain significance. Review status: criteria provided, multiple submitters, no conflicts (2 of 4 stars). 3 submissions from 3 submitters: Uncertain significance (3). Last evaluated 2025-11-10.

Conditions:
Hereditary cancer-predisposing syndrome. Also called: Hereditary Cancer Syndrome; Tumor predisposition; Neoplastic Syndromes, Hereditary; Hereditary neoplastic syndrome. Identifiers: Orphanet 140162, MedGen C0027672, MeSH D009386, MONDO:0015356.
Oligodontia-cancer predisposition syndrome. Also called: TOOTH AGENESIS-COLORECTAL CANCER SYNDROME. Identifiers: Orphanet 300576, MedGen C1837750, MONDO:0012075, OMIM 608615. Disease mechanism: loss of function.

Submissions (3):

Labcorp Genetics (formerly Invitae), Labcorp
Classification: Uncertain significance for Oligodontia-cancer predisposition syndrome. Last evaluated: 2025-11-10. Review status: criteria provided, single submitter. Criteria: Invitae Variant Classification Sherloc (09022015). Collection method: clinical testing. Allele origin: germline.
Comment: This sequence change replaces arginine, which is basic and polar, with cysteine, which is neutral and slightly polar, at codon 465 of the AXIN2 protein (p.Arg465Cys). This variant is present in population databases (no rsID available, gnomAD 0.008%). This variant has not been reported in the literature in individuals affected with AXIN2-related conditions. ClinVar contains an entry for this variant (Variation ID: 279695). Invitae Evidence Modeling of protein sequence and biophysical properties (such as structural, functional, and spatial information, amino acid conservation, physicochemical variation, residue mobility, and thermodynamic stability) indicates that this missense variant is not expected to disrupt AXIN2 protein function with a negative predictive value of 80%. In summary, the available evidence is currently insufficient to determine the role of this variant in disease. Therefore, it has been classified as a Variant of Uncertain Significance.

Ambry Genetics
Classification: Uncertain significance for Hereditary cancer-predisposing syndrome. Last evaluated: 2025-08-12. Review status: criteria provided, single submitter. Criteria: Ambry Variant Classification Scheme 2023. Collection method: clinical testing. Allele origin: germline.
Comment: The p.R465C variant (also known as c.1393C>T), located in coding exon 5 of the AXIN2 gene, results from a C to T substitution at nucleotide position 1393. The arginine at codon 465 is replaced by cysteine, an amino acid with highly dissimilar properties. This amino acid position is well conserved in available vertebrate species. In addition, this alteration is predicted to be tolerated by in silico analysis. Since supporting evidence is limited at this time, the clinical significance of this alteration remains unclear.

GeneDx
Classification: Uncertain significance. Last evaluated: 2019-05-29. Review status: criteria provided, single submitter. Criteria: GeneDx Variant Classification Process June 2021. Collection method: clinical testing. Allele origin: germline. Affected: yes.
Comment: Not observed at a significant frequency in large population cohorts (Lek 2016); In silico analysis, which includes protein predictors and evolutionary conservation, supports a deleterious effect; Has not been previously published as pathogenic or benign to our knowledge